The following is an entry in ClinVar:

ClinVar aggregate classification (germline): Uncertain significance (1 of 4 stars; one submission).

Conditions:
Hereditary cancer-predisposing syndrome. Also called: Tumor predisposition; Hereditary neoplastic syndrome; Hereditary Cancer Syndrome; Neoplastic Syndromes, Hereditary. Identifiers: Orphanet 140162, MedGen C0027672, MeSH D009386, MONDO:0015356.

Submission:

Ambry Genetics
Classification: Uncertain significance for Hereditary cancer-predisposing syndrome. Last evaluated: 2025-04-06. Review status: criteria provided, single submitter. Criteria: Ambry Variant Classification Scheme 2023. Collection method: clinical testing. Allele origin: germline.
Comment: The p.T70A variant (also known as c.208A>G), located in coding exon 2 of the RAD51C gene, results from an A to G substitution at nucleotide position 208. The threonine at codon 70 is replaced by alanine, an amino acid with similar properties. This amino acid position is conserved. In addition, this alteration is predicted to be tolerated by in silico analysis. Based on the available evidence, the clinical significance of this variant remains unclear.

NM_058216.3(RAD51C):c.208A>G (p.Thr70Ala)

Gene: RAD51C (RAD51 paralog C; plus strand). Cytogenetic location: 17q22.
Variant type: single nucleotide variant.
Coding change: c.208A>G on transcript NM_058216.3 (MANE Select); coding-DNA position 208, A replaced by G.
Protein change: p.Thr70Ala; replaces threonine 70 with alanine.
Molecular consequence: missense variant. On other transcripts: non-coding transcript variant (2).
Genome position (GRCh38, 1-based): chr17:58,694,993, A>G. VCF-style: chr17-58694993-A-G. GRCh37 (hg19) VCF-style: chr17-56772354-A-G.
Other names: c.208A>G, p.Thr70Ala (NM_002876.4); short protein forms T70A.
Identifiers: ClinVar variation 3942359 (VCV003942359.1).